The following is an entry in ClinVar:

NM_007294.4(BRCA1):c.3775A>G (p.Asn1259Asp)

Genes: BRCA1 (BRCA1 DNA repair associated; minus strand), LOC126862571 (BRD4-independent group 4 enhancer GRCh37_chr17:41243136-41244335; plus strand). Cytogenetic location: 17q21.31.
Variant type: single nucleotide variant.
Coding change: c.3775A>G on transcript NM_007294.4 (MANE Select); coding-DNA position 3775, A replaced by G.
Protein change: p.Asn1259Asp; replaces asparagine 1259 with aspartic acid.
Molecular consequence: missense variant. On other transcripts: intron variant (135).
Genome position (GRCh38, 1-based): chr17:43,091,756, T>C on the plus strand (A>G on the coding strand, the complement: BRCA1 is on the minus strand). VCF-style: chr17-43091756-T-C. GRCh37 (hg19) VCF-style: chr17-41243773-T-C.
Other names: c.521-724A>G (NM_001408505.1, NM_001408503.1, NM_001408504.1); c.662-724A>G (NM_001408448.1, NM_001408446.1, NM_001408435.1 and 6 more transcripts); c.668-724A>G (NM_001408421.1, NM_001408431.1, NM_001408424.1); c.785-724A>G (NM_001407991.1, NM_001408397.1, NM_001408401.1 and 13 more transcripts); c.665-724A>G (NM_001408427.1, NM_001408436.1, NM_001408444.1 and 12 more transcripts); c.524-724A>G (NM_001408496.1, NM_001408498.1, NM_001408501.1 and 3 more transcripts); c.461-724A>G (NM_001408507.1, NM_001408506.1); c.545-724A>G (NM_001408495.1); and 41 more; short protein forms N1259D, N1212D, N1147D, N1170D, N1189D, N1191D, N1217D, N1233D.
Identifiers: ClinVar variation 824193 (VCV000824193.7), dbSNP rs1597861381, ClinGen allele CA10594420.

ClinVar aggregate classification (germline): Conflicting classifications of pathogenicity. Review status: criteria provided, conflicting classifications (1 of 4 stars). 2 submissions from 2 submitters: Uncertain significance (1); Likely benign (1). Last evaluated 2023-03-23.

Conditions:
Hereditary cancer-predisposing syndrome. Also called: Neoplastic Syndromes, Hereditary; Tumor predisposition; Hereditary neoplastic syndrome; Hereditary Cancer Syndrome. Identifiers: Orphanet 140162, MedGen C0027672, MeSH D009386, MONDO:0015356.

Submissions (2):

University of Washington Department of Laboratory Medicine, University of Washington
Classification: Likely benign for Hereditary cancer-predisposing syndrome. Last evaluated: 2023-03-23. Review status: criteria provided, single submitter. Criteria: Dines et al. (Genet Med. 2020). Collection method: curation. Allele origin: germline.
Comment: Missense variant in a coldspot region where missense variants are very unlikely to be pathogenic (PMID:31911673).

BRCA1 coldspot (exon 11 using historical exon numbering). Reclassification based on statistical prior probability

Ambry Genetics
Classification: Uncertain significance for Hereditary cancer-predisposing syndrome. Last evaluated: 2022-08-07. Review status: criteria provided, single submitter. Criteria: Ambry Variant Classification Scheme 2023. Collection method: clinical testing. Allele origin: germline.
Comment: The p.N1259D variant (also known as c.3775A>G), located in coding exon 9 of the BRCA1 gene, results from an A to G substitution at nucleotide position 3775. The asparagine at codon 1259 is replaced by aspartic acid, an amino acid with highly similar properties. This amino acid position is not well conserved in available vertebrate species. In addition, the in silico prediction for this alteration is inconclusive. Since supporting evidence is limited at this time, the clinical significance of this alteration remains unclear.